The following is an entry in ClinVar:

ClinVar aggregate classification (germline): Pathogenic. Review status: criteria provided, multiple submitters, no conflicts (2 of 4 stars). 2 submissions from 2 submitters: Pathogenic (2). Last evaluated 2024-12-22.

Conditions:
Fanconi anemia (FA). Also called: Fanconi's anemia. Identifiers: Orphanet 84, MedGen C0015625, MeSH D005199, MONDO:0019391.
Fanconi anemia complementation group A (FANCA). Also called: FANCA-Related Fanconi Anemia; Fanconi anemia, group A. Identifiers: Orphanet 84, MedGen C3469521, MONDO:0009215, OMIM 227650.

gnomAD v4.1: 2 of 1,603,416 alleles (0.00012%); highest among the groups gnomAD compares: Non-Finnish European, 0.00017%; no homozygotes.

Submissions (2):

Natera, Inc.
Classification: Pathogenic for Fanconi anemia. Last evaluated: 2024-12-22. Review status: criteria provided, single submitter. Criteria: Natera Variant Classification Schema (03/2026). Collection method: clinical testing. Allele origin: germline.
Comment: The c.3518G>A variant in FANCA is a nonsense variant predicted to introduce a stop codon at amino acid 1173. This variant is expected to result in nonsense mediated decay, truncation, or a dysfunctional protein product. This variant is rare in the general population with a frequency below the threshold expected for the associated phenotype(s). This variant has been observed in one or more individuals affected with the associated recessive disease, as either homozygous or compound heterozygous with a second variant (PMID: 32947577). Given the available evidence, this variant is classified as Pathogenic.

Baylor Genetics
Classification: Pathogenic for Fanconi anemia complementation group A. Last evaluated: 2023-07-05. Review status: criteria provided, single submitter. Criteria: ACMG Guidelines, 2015. Collection method: clinical testing. Allele origin: unknown.

Literature cited by the submitters: PubMed 32947577 (cited by Natera, Inc.).

NM_000135.4(FANCA):c.3518G>A (p.Trp1173Ter)

Gene: FANCA (FA complementation group A; minus strand). Cytogenetic location: 16q24.3.
Variant type: single nucleotide variant.
Coding change: c.3518G>A on transcript NM_000135.4 (MANE Select); coding-DNA position 3518, G replaced by A.
Protein change: p.Trp1173Ter; replaces tryptophan 1173 with a stop codon.
Molecular consequence: nonsense.
Genome position (GRCh38, 1-based): chr16:89,745,067, C>T on the plus strand (G>A on the coding strand, the complement: FANCA is on the minus strand). VCF-style: chr16-89745067-C-T. GRCh37 (hg19) VCF-style: chr16-89811475-C-T.
Other names: c.3518G>A (NM_000135.3); c.3518G>A, p.Trp1173Ter (NM_001286167.3); short protein forms W1173*.
Identifiers: ClinVar variation 2675426 (VCV002675426.2), dbSNP rs1318931629, ClinGen allele CA397485791.
Genomic context (GRCh38, chr16:89,745,067, plus strand): 5'-AGCGGGCTCTGGCAGTGTCTCCTCCACCGGCAGAGCAGCACAGGCTCCAGGCTCGGCCAC[C>T]ACACCTATGGAGAGAGCACCAGCACACAGATGAGGGTGGCTGAGATGGACACACCTCCGC-3'